The following is an entry in ClinVar:

NM_001006658.3(CR2):c.2903-3C>A

Gene: CR2 (complement C3d receptor 2; plus strand). Cytogenetic location: 1q32.2.
Variant type: single nucleotide variant.
Coding change: c.2903-3C>A on transcript NM_001006658.3 (MANE Select); 3 bases into the intron before coding-DNA position 2903, C replaced by A.
Molecular consequence: intron variant.
Genome position (GRCh38, 1-based): chr1:207,477,882, C>A. VCF-style: chr1-207477882-C-A. GRCh37 (hg19) VCF-style: chr1-207651227-C-A.
Other names: c.2726-3C>A (NM_001877.5).
Identifiers: ClinVar variation 784591 (VCV000784591.21), dbSNP rs372214909, ClinGen allele CA1369091.
Genomic context (GRCh38, chr1:207,477,882, plus strand): 5'-TTCTGCTTTCTTGGTAAAAGGCCAAAATATGACTGTGCTTGAATTAGATTTCTTTAATTT[C>A]AGAGGTAAACTGTAGCTCACCAGCAGATATGGATGGAATCCAGAAAGGGCTGGAACCAAG-3'

ClinVar aggregate classification (germline): Conflicting classifications of pathogenicity. Review status: criteria provided, conflicting classifications (1 of 4 stars). 3 submissions from 3 submitters: Uncertain significance (2); Likely benign (1). Last evaluated 2026-01-02.

Conditions:
Immunodeficiency, common variable, 7. Identifiers: Orphanet 1572, Orphanet 696894, MedGen C3542922, MONDO:0013862, OMIM 614699.

Allele frequency attached by ClinVar (database versions not stated): gnomAD 0.00115 and 0.00128; TOPMed 0.00129; gnomAD exomes 0.00008 and 0.00031; ExAC 0.00036; 1000 Genomes Project 30x 0.00078; 1000 Genomes Project 0.00080; ESP Exome Variant Server 0.00131.
gnomAD v4.1: 318 of 1,613,582 alleles (0.02%); highest among the groups gnomAD compares: African/African-American, 0.34%; no homozygotes.

Submissions (6):

Labcorp Genetics (formerly Invitae), Labcorp
Classification: Likely benign for Immunodeficiency, common variable, 7. Last evaluated: 2026-01-02. Review status: criteria provided, single submitter. Criteria: Invitae Variant Classification Sherloc (09022015). Collection method: clinical testing. Allele origin: germline.

Baylor Genetics
Classification: Uncertain significance for Immunodeficiency, common variable, 7. Last evaluated: 2019-09-26. Review status: criteria provided, single submitter. Criteria: ACMG Guidelines, 2015. Collection method: clinical testing. Allele origin: unknown. Affected: yes.
Comment: This variant was determined to be of uncertain significance according to ACMG Guidelines, 2015 [PMID:25741868].

ARUP Laboratories, Molecular Genetics and Genomics, ARUP Laboratories
Classification: Uncertain significance. Last evaluated: 2018-11-07. Review status: criteria provided, single submitter. Criteria: ARUP Molecular Germline Variant Investigation Process. Collection method: clinical testing. Allele origin: germline.
Comment: The CR2 c.2903-3C>A variant (rs372214909) is reported in the literature in a cohort of individuals with severe hypertension and renal microangiopathy (Larsen 2018). This variant is found in the African population with an overall allele frequency of 0.39% (97/24954 alleles) in the Genome Aggregation Database. This is an intronic variant in a moderately conserved nucleotide, and computational analyses (Alamut v.2.11) predict that this variant may impact splicing by weakening the nearby canonical acceptor splice site, though mRNA studies would be required to confirm this. Given the lack of clinical and functional data, the significance of the c.2903-3C>A variant is uncertain at this time. References: Larsen CP et al. Genetic testing of complement and coagulation pathways in patients with severe hypertension and renal microangiopathy. Mod Pathol. 2018 Mar;31(3):488-494.

Dr. Peter K. Rogan Lab, Western University
No classification provided (evidence only). Condition: Familial cancer of breast. Review status: no classification provided. Collection method: in vitro. Allele origin: not applicable. Functional consequence: retained intron. Not counted in ClinVar's aggregate classification.

Dr. Peter K. Rogan Lab, Western University
No classification provided (evidence only). Condition: Thymoma. Review status: no classification provided. Collection method: in vitro. Allele origin: not applicable. Functional consequence: retained intron. Not counted in ClinVar's aggregate classification.

Dr. Peter K. Rogan Lab, Western University
No classification provided (evidence only). Condition: Ovarian serous cystadenocarcinoma. Review status: no classification provided. Collection method: in vitro. Allele origin: not applicable. Functional consequence: retained intron. Not counted in ClinVar's aggregate classification.